The following is an entry in ClinVar:

NM_001510.4(GRID2):c.212A>C (p.Asp71Ala)

Gene: GRID2 (glutamate ionotropic receptor delta type subunit 2; plus strand). Cytogenetic location: 4q22.1.
Variant type: single nucleotide variant.
Coding change: c.212A>C on transcript NM_001510.4 (MANE Select); coding-DNA position 212, A replaced by C.
Protein change: p.Asp71Ala; replaces aspartic acid 71 with alanine.
Molecular consequence: missense variant.
Genome position (GRCh38, 1-based): chr4:92,590,254, A>C. VCF-style: chr4-92590254-A-C. GRCh37 (hg19) VCF-style: chr4-93511405-A-C.
Other names: c.212A>C, p.Asp71Ala (NM_001286838.1); short protein forms D71A.
Identifiers: ClinVar variation 2387891 (VCV002387891.3), dbSNP rs368889618, ClinGen allele CA3011903.

ClinVar aggregate classification (germline): Uncertain significance. Review status: criteria provided, multiple submitters, no conflicts (2 of 4 stars). 2 submissions from 2 submitters: Uncertain significance (2). Last evaluated 2025-09-05.

Conditions:
Inborn genetic diseases. Identifiers: MedGen C0950123, MeSH D030342.

Allele frequency attached by ClinVar (database versions not stated): ExAC 0.00002; ESP Exome Variant Server 0.00008; gnomAD 0.00009; TOPMed 0.00009; 1000 Genomes Project 30x 0.00016; 1000 Genomes Project 0.00020.
gnomAD v4.1: 104 of 1,613,472 alleles (0.0064%); highest among the groups gnomAD compares: African/African-American, 0.016%; no homozygotes.

Submissions (2):

Labcorp Genetics (formerly Invitae), Labcorp
Classification: Uncertain significance. Last evaluated: 2025-09-05. Review status: criteria provided, single submitter. Criteria: Invitae Variant Classification Sherloc (09022015). Collection method: clinical testing. Allele origin: germline.
Comment: This sequence change replaces aspartic acid, which is acidic and polar, with alanine, which is neutral and non-polar, at codon 71 of the GRID2 protein (p.Asp71Ala). This variant is present in population databases (rs368889618, gnomAD 0.02%). This variant has not been reported in the literature in individuals affected with GRID2-related conditions. ClinVar contains an entry for this variant (Variation ID: 2387891). An algorithm developed to predict the effect of missense changes on protein structure and function (PolyPhen-2) suggests that this variant is likely to be tolerated. In summary, the available evidence is currently insufficient to determine the role of this variant in disease. Therefore, it has been classified as a Variant of Uncertain Significance.

Ambry Genetics
Classification: Uncertain significance for Inborn genetic diseases. Last evaluated: 2021-08-13. Review status: criteria provided, single submitter. Criteria: Ambry Variant Classification Scheme 2023. Collection method: clinical testing. Allele origin: germline.